The following is an entry in ClinVar:

ClinVar aggregate classification (germline): Benign/Likely benign. Review status: criteria provided, multiple submitters, no conflicts (2 of 4 stars). 4 submissions from 4 submitters: Benign (1); Likely benign (3). Last evaluated 2024-07-19.

Conditions:
Hereditary cancer-predisposing syndrome. Also called: Neoplastic Syndromes, Hereditary; Tumor predisposition; Hereditary Cancer Syndrome; Hereditary neoplastic syndrome. Identifiers: Orphanet 140162, MedGen C0027672, MeSH D009386, MONDO:0015356.
Familial cancer of breast. Also called: Hereditary breast cancer; hereditary breast carcinoma; BREAST CANCER, FAMILIAL. Identifiers: Orphanet 227535, MedGen C0346153, MONDO:0016419, OMIM 114480. Disease mechanism: loss of function.

Allele frequency attached by ClinVar (database versions not stated): TOPMed below 0.00001.

Submissions (4):

Myriad Genetics, Inc.
Classification: Benign for Familial cancer of breast. Last evaluated: 2024-07-19. Review status: criteria provided, single submitter. Criteria: Myriad Autosomal Dominant, Autosomal Recessive and X-Linked Classification Criteria (2023). Collection method: clinical testing. Allele origin: unknown.
Comment: This variant is considered benign. This variant is a silent/synonymous amino acid change and it is not expected to impact splicing.

Labcorp Genetics (formerly Invitae), Labcorp
Classification: Likely benign for Familial cancer of breast. Last evaluated: 2021-09-05. Review status: criteria provided, single submitter. Criteria: Invitae Variant Classification Sherloc (09022015). Collection method: clinical testing. Allele origin: germline.

Color Diagnostics, LLC DBA Color Health
Classification: Likely benign for Hereditary cancer-predisposing syndrome. Last evaluated: 2020-10-13. Review status: criteria provided, single submitter. Criteria: ACMG Guidelines, 2015. Collection method: clinical testing. Allele origin: germline.

Ambry Genetics
Classification: Likely benign for Hereditary cancer-predisposing syndrome. Last evaluated: 2017-04-27. Review status: criteria provided, single submitter. Criteria: Ambry Variant Classification Scheme 2023. Collection method: clinical testing. Allele origin: germline.

NM_000465.4(BARD1):c.369G>A (p.Leu123=)

Gene: BARD1 (BRCA1 associated RING domain 1; minus strand). Cytogenetic location: 2q35.
Variant type: single nucleotide variant.
Coding change: c.369G>A on transcript NM_000465.4 (MANE Select); coding-DNA position 369, G replaced by A.
Protein change: p.Leu123=; no amino-acid change (leucine 123 retained).
Molecular consequence: synonymous variant. On other transcripts: non-coding transcript variant (2), intron variant (3).
Genome position (GRCh38, 1-based): chr2:214,781,505, C>T on the plus strand (G>A on the coding strand, the complement: BARD1 is on the minus strand). VCF-style: chr2-214781505-C-T. GRCh37 (hg19) VCF-style: chr2-215646229-C-T.
Other names: c.312G>A, p.Leu104= (NM_001282543.2); c.158+27907G>A (NM_001282548.2); c.215+15556G>A (NM_001282545.2); c.364+10792G>A (NM_001282549.2).
Identifiers: ClinVar variation 414127 (VCV000414127.18), dbSNP rs1060504195, ClinGen allele CA16610712.
Genomic context (GRCh38, chr2:214,781,505, plus strand): 5'-AATTGAATTCTTCTTGTTTCCTGCATCATTAAACAAACTTTTCCTAGGTTTATCTTCTTT[C>T]AAATCTGACAGAAAAAAAGAAAAAGAAATCTGTTACATGAAATTTATTGCTCCCACATGG-3'
Protein context (NP_000456.2, residues 113-133): NLLHDNELSD[Leu123=]KEDKPRKSLF